The following is an entry in ClinVar:

NM_003978.5(PSTPIP1):c.642+3G>A

Gene: PSTPIP1 (proline-serine-threonine phosphatase interacting protein 1; plus strand). Cytogenetic location: 15q24.3.
Variant type: single nucleotide variant.
Coding change: c.642+3G>A on transcript NM_003978.5 (MANE Select); 3 bases into the intron after coding-DNA position 642, G replaced by A.
Molecular consequence: intron variant.
Genome position (GRCh38, 1-based): chr15:77,030,584, G>A. VCF-style: chr15-77030584-G-A. GRCh37 (hg19) VCF-style: chr15-77322925-G-A.
Other names: c.837+3G>A (NM_001321137.1); c.615+3G>A (NM_001321136.2); c.642+3G>A (NM_001321135.2).
Identifiers: ClinVar variation 1513264 (VCV001513264.6), dbSNP rs765423624, ClinGen allele CA7675909.

ClinVar aggregate classification (germline): Uncertain significance (1 of 4 stars; one submission).

Conditions:
Pyogenic arthritis-pyoderma gangrenosum-acne syndrome (PAPA). Also called: FAMILIAL RECURRENT ARTHRITIS; PAPA SYNDROME. Identifiers: Orphanet 69126, MedGen C1858361, MONDO:0011462, OMIM 604416.

Allele frequency attached by ClinVar (database versions not stated): ExAC 0.00001; gnomAD 0.00002 and 0.00003; gnomAD exomes 0.00002; TOPMed 0.00005.
gnomAD v4.1: 9 of 1,594,494 alleles (0.00056%); highest among the groups gnomAD compares: African/African-American, 0.0094%; no homozygotes.

Submission:

Labcorp Genetics (formerly Invitae), Labcorp
Classification: Uncertain significance for Pyogenic arthritis-pyoderma gangrenosum-acne syndrome. Last evaluated: 2024-08-05. Review status: criteria provided, single submitter. Criteria: Invitae Variant Classification Sherloc (09022015). Collection method: clinical testing. Allele origin: germline.
Comment: This sequence change falls in intron 9 of the PSTPIP1 gene. It does not directly change the encoded amino acid sequence of the PSTPIP1 protein. It affects a nucleotide within the consensus splice site. This variant is present in population databases (rs765423624, gnomAD 0.02%). This variant has not been reported in the literature in individuals affected with PSTPIP1-related conditions. ClinVar contains an entry for this variant (Variation ID: 1513264). Variants that disrupt the consensus splice site are a relatively common cause of aberrant splicing (PMID: 17576681, 9536098). Algorithms developed to predict the effect of sequence changes on RNA splicing suggest that this variant is not likely to affect RNA splicing. In summary, the available evidence is currently insufficient to determine the role of this variant in disease. Therefore, it has been classified as a Variant of Uncertain Significance.

Literature cited by the submitters: PubMed 17576681; PubMed 9536098.